The following is an entry in ClinVar:

NM_006509.4(RELB):c.1199G>A (p.Arg400His)

Gene: RELB (RELB proto-oncogene, NF-kB subunit; plus strand). Cytogenetic location: 19q13.32.
Variant type: single nucleotide variant.
Coding change: c.1199G>A on transcript NM_006509.4 (MANE Select); coding-DNA position 1199, G replaced by A.
Protein change: p.Arg400His; replaces arginine 400 with histidine.
Molecular consequence: missense variant.
Genome position (GRCh38, 1-based): chr19:45,032,741, G>A. VCF-style: chr19-45032741-G-A. GRCh37 (hg19) VCF-style: chr19-45535999-G-A.
Other names: c.1190G>A, p.Arg397His (NM_001411087.1); short protein forms R400H, R397H.
Identifiers: ClinVar variation 4768175 (VCV004768175.1).

ClinVar aggregate classification (germline): Uncertain significance (1 of 4 stars; one submission).

gnomAD v4.1: 41 of 1,604,060 alleles (0.0026%); highest among the groups gnomAD compares: Non-Finnish European, 0.003%; no homozygotes.

Submission:

Labcorp Genetics (formerly Invitae), Labcorp
Classification: Uncertain significance. Last evaluated: 2025-09-05. Review status: criteria provided, single submitter. Criteria: Invitae Variant Classification Sherloc (09022015). Collection method: clinical testing. Allele origin: germline.
Comment: This sequence change replaces arginine, which is basic and polar, with histidine, which is basic and polar, at codon 400 of the RELB protein (p.Arg400His). The frequency data for this variant in the population databases is considered unreliable, as metrics indicate poor data quality at this position in the gnomAD database. This variant has not been reported in the literature in individuals affected with RELB-related conditions. An algorithm developed to predict the effect of missense changes on protein structure and function (PolyPhen-2) suggests that this variant is likely to be disruptive. In summary, the available evidence is currently insufficient to determine the role of this variant in disease. Therefore, it has been classified as a Variant of Uncertain Significance.